The following is an entry in ClinVar:

ClinVar aggregate classification (germline): Uncertain significance (1 of 4 stars; one submission).

Conditions:
Cystic fibrosis (CF). Also called: MUCOVISCIDOSIS. Identifiers: Orphanet 586, MedGen C0010674, MONDO:0009061, OMIM 219700. Disease mechanism: loss of function.

gnomAD v4.1: 64 of 152,044 alleles (0.042%); highest among the groups gnomAD compares: Admixed American, 0.37%; no homozygotes.

Submission:

Johns Hopkins Genomics, Johns Hopkins University
Classification: Uncertain significance for Cystic fibrosis. Last evaluated: 2024-09-06. Review status: criteria provided, single submitter. Criteria: ACMG Guidelines, 2015. Collection method: clinical testing. Allele origin: germline.
Comment: PM2

NM_000492.4(CFTR):c.53+7039T>G

Gene: CFTR (CF transmembrane conductance regulator; plus strand). Cytogenetic location: 7q31.2.
Variant type: single nucleotide variant.
Coding change: c.53+7039T>G on transcript NM_000492.4 (MANE Select); 7039 bases into the intron after coding-DNA position 53, T replaced by G.
Molecular consequence: intron variant.
Genome position (GRCh38, 1-based): chr7:117,487,186, T>G. VCF-style: chr7-117487186-T-G. GRCh37 (hg19) VCF-style: chr7-117127240-T-G.
Identifiers: ClinVar variation 4280053 (VCV004280053.1).